The following is an entry in ClinVar:

NM_031471.6(FERMT3):c.964G>A (p.Asp322Asn)

Gene: FERMT3 (FERM domain containing kindlin 3; plus strand). Cytogenetic location: 11q13.1.
Variant type: single nucleotide variant.
Coding change: c.964G>A on transcript NM_031471.6 (MANE Select); coding-DNA position 964, G replaced by A.
Protein change: p.Asp322Asn; replaces aspartic acid 322 with asparagine.
Molecular consequence: missense variant.
Genome position (GRCh38, 1-based): chr11:64,219,593, G>A. VCF-style: chr11-64219593-G-A. GRCh37 (hg19) VCF-style: chr11-63987065-G-A.
Other names: c.964G>A, p.Asp322Asn (NM_001382361.1, NM_001382362.1, NM_001382448.1 and 1 more transcripts); c.424G>A, p.Asp142Asn (NM_001382363.1, NM_001382364.1); short protein forms D142N, D322N.
Identifiers: ClinVar variation 2170650 (VCV002170650.1), dbSNP rs774328748, ClinGen allele CA6068965.

ClinVar aggregate classification (germline): Uncertain significance (1 of 4 stars; one submission).

Conditions:
Leukocyte adhesion deficiency 3. Also called: Leukocyte adhesion deficiency, type III; INTEGRIN ACTIVATION DEFICIENCY DISEASE; LEUKOCYTE ADHESION DEFICIENCY 1 VARIANT. Identifiers: Orphanet 2968, Orphanet 99844, MedGen C2748536, MONDO:0013016, OMIM 612840.

Allele frequency attached by ClinVar (database versions not stated): gnomAD 0.00001; gnomAD exomes 0.00001; TOPMed 0.00001; ExAC 0.00003.
gnomAD v4.1: 19 of 1,612,622 alleles (0.0012%); highest among the groups gnomAD compares: Admixed American, 0.005%; no homozygotes.

Submission:

Labcorp Genetics (formerly Invitae), Labcorp
Classification: Uncertain significance for Leukocyte adhesion deficiency 3. Last evaluated: 2022-06-30. Review status: criteria provided, single submitter. Criteria: Invitae Variant Classification Sherloc (09022015). Collection method: clinical testing. Allele origin: germline.
Comment: This sequence change replaces aspartic acid, which is acidic and polar, with asparagine, which is neutral and polar, at codon 322 of the FERMT3 protein (p.Asp322Asn). This variant is present in population databases (rs774328748, gnomAD 0.006%). This variant has not been reported in the literature in individuals affected with FERMT3-related conditions. Algorithms developed to predict the effect of missense changes on protein structure and function are either unavailable or do not agree on the potential impact of this missense change (SIFT: "Deleterious"; PolyPhen-2: "Benign"; Align-GVGD: "Class C0"). In summary, the available evidence is currently insufficient to determine the role of this variant in disease. Therefore, it has been classified as a Variant of Uncertain Significance.